The following is an entry in ClinVar:

ClinVar aggregate classification (germline): Likely benign. Review status: criteria provided, multiple submitters, no conflicts (2 of 4 stars). 2 submissions from 2 submitters: Likely benign (2). Last evaluated 2026-01-26.

Conditions:
PLXNA3-related disorder. Also called: PLXNA3-related condition.

Allele frequency attached by ClinVar (database versions not stated): gnomAD 0.00008; gnomAD exomes 0.00008; TOPMed 0.00009; ExAC 0.00021; 1000 Genomes Project 0.00026; 1000 Genomes Project 30x 0.00042.
gnomAD v4.1: 105 of 1,210,554 alleles (0.0087%); highest among the groups gnomAD compares: Middle Eastern, 0.046%; no homozygotes.

Submissions (2):

PreventionGenetics, part of Exact Sciences
Classification: Likely benign for PLXNA3-related condition. Last evaluated: 2026-01-26. Review status: criteria provided, single submitter. Criteria: ACMG Guidelines, 2015. Collection method: clinical testing. Allele origin: germline.
Comment: This variant is classified as likely benign based on ACMG/AMP sequence variant interpretation guidelines (Richards et al. 2015 PMID: 25741868, with internal and published modifications).

Ambry Genetics
Classification: Likely benign. Last evaluated: 2024-05-26. Review status: criteria provided, single submitter. Criteria: Ambry Variant Classification Scheme 2023. Collection method: clinical testing. Allele origin: germline.

NM_017514.5(PLXNA3):c.946G>A (p.Val316Ile)

Gene: PLXNA3 (plexin A3; plus strand). Cytogenetic location: Xq28.
Variant type: single nucleotide variant.
Coding change: c.946G>A on transcript NM_017514.5 (MANE Select); coding-DNA position 946, G replaced by A.
Protein change: p.Val316Ile; replaces valine 316 with isoleucine.
Molecular consequence: missense variant.
Genome position (GRCh38, 1-based): chrX:154,461,450, G>A. VCF-style: chrX-154461450-G-A. GRCh37 (hg19) VCF-style: chrX-153689790-G-A.
Other names: c.946G>A (NM_017514.3); short protein forms V316I.
Identifiers: ClinVar variation 2634069 (VCV002634069.5), dbSNP rs200063870, ClinGen allele CA10563867.